The following is an entry in ClinVar:

ClinVar aggregate classification (germline): Uncertain significance (1 of 4 stars; one submission).

Submission:

Labcorp Genetics (formerly Invitae), Labcorp
Classification: Uncertain significance. Last evaluated: 2024-01-26. Review status: criteria provided, single submitter. Criteria: Invitae Variant Classification Sherloc (09022015). Collection method: clinical testing. Allele origin: germline.
Comment: This sequence change replaces threonine, which is neutral and polar, with serine, which is neutral and polar, at codon 204 of the CCND2 protein (p.Thr204Ser). This variant is not present in population databases (gnomAD no frequency). This variant has not been reported in the literature in individuals affected with CCND2-related conditions. Advanced modeling of protein sequence and biophysical properties (such as structural, functional, and spatial information, amino acid conservation, physicochemical variation, residue mobility, and thermodynamic stability) performed at Invitae indicates that this missense variant is not expected to disrupt CCND2 protein function with a negative predictive value of 80%. In summary, the available evidence is currently insufficient to determine the role of this variant in disease. Therefore, it has been classified as a Variant of Uncertain Significance.

NM_001759.4(CCND2):c.611C>G (p.Thr204Ser)

Gene: CCND2 (cyclin D2; plus strand). Cytogenetic location: 12p13.32.
Variant type: single nucleotide variant.
Coding change: c.611C>G on transcript NM_001759.4 (MANE Select); coding-DNA position 611, C replaced by G.
Protein change: p.Thr204Ser; replaces threonine 204 with serine.
Molecular consequence: missense variant.
Genome position (GRCh38, 1-based): chr12:4,288,881, C>G. VCF-style: chr12-4288881-C-G. GRCh37 (hg19) VCF-style: chr12-4398047-C-G.
Other names: short protein forms T204S.
Identifiers: ClinVar variation 3008247 (VCV003008247.3), dbSNP rs2497507865, ClinGen allele CA383412214.